The following is an entry in ClinVar:

NM_001366244.2(GOLGA2):c.726G>A (p.Gln242=)

Gene: GOLGA2 (golgin A2; minus strand). Cytogenetic location: 9q34.11.
Variant type: single nucleotide variant.
Coding change: c.726G>A on transcript NM_001366244.2 (MANE Select); coding-DNA position 726, G replaced by A.
Protein change: p.Gln242=; no amino-acid change (glutamine 242 retained).
Molecular consequence: synonymous variant.
Genome position (GRCh38, 1-based): chr9:128,265,976, C>T on the plus strand (G>A on the coding strand, the complement: GOLGA2 is on the minus strand). VCF-style: chr9-128265976-C-T. GRCh37 (hg19) VCF-style: chr9-131028255-C-T.
Other names: c.645G>A, p.Gln215= (NM_001366246.2, NM_001389697.2, NM_001389698.2 and 1 more transcripts); c.711G>A, p.Gln237= (NM_001389695.2); c.726G>A, p.Gln242= (NM_001389696.2); c.606G>A, p.Gln202= (NM_001389699.2, NM_001389700.2); c.564G>A, p.Gln188= (NM_001389701.2); c.540G>A, p.Gln180= (NM_001389702.2); c.525G>A, p.Gln175= (NM_001389703.2); c.291G>A, p.Gln97= (NM_001389704.2); and 1 more.
Identifiers: ClinVar variation 2659534 (VCV002659534.25), dbSNP rs41276660, ClinGen allele CA5259289.
Genomic context (GRCh38, chr9:128,265,976, plus strand): 5'-AAGGAAAGAAACATTCTCCAGAGGACAGGACGGAACTTCACACCCTCCACTCACCTGTAA[C>T]TGCTCCCTTAGGGCTCCCTGCTTTTGGTGGCATTCTTTCTTTTCCTATAGGAAGAGGAAG-3'
Protein context (NP_001353173.2, residues 232-252): CHQKQGALRE[Gln242=]LQVHIQTIGI

ClinVar aggregate classification (germline): Likely benign. Review status: criteria provided, multiple submitters, no conflicts (2 of 4 stars). 2 submissions from 2 submitters: Likely benign (2). Last evaluated 2025-06-01.

Allele frequency attached by ClinVar (database versions not stated): 1000 Genomes Project 0.00040; 1000 Genomes Project 30x 0.00062; TOPMed 0.00088; gnomAD 0.00099; ExAC 0.00126; gnomAD exomes 0.00164; ESP Exome Variant Server 0.00200.

Submissions (2):

CeGaT Center for Human Genetics Tuebingen
Classification: Likely benign. Last evaluated: 2025-06-01. Review status: criteria provided, single submitter. Criteria: CeGaT Center For Human Genetics Tuebingen Variant Classification Criteria Version 2. Collection method: clinical testing. Allele origin: germline. Affected: yes. Observed: 6 variant alleles.
Comment: GOLGA2: BP4, BP7

Blueprint Genetics
Classification: Likely benign. Last evaluated: 2024-11-27. Review status: criteria provided, single submitter. Criteria: ACMG Guidelines, 2015. Collection method: clinical testing. Allele origin: germline.